The following is an entry in ClinVar:

ClinVar aggregate classification (germline): Uncertain significance (1 of 4 stars; one submission).

Submission:

Labcorp Genetics (formerly Invitae), Labcorp
Classification: Uncertain significance. Last evaluated: 2021-10-23. Review status: criteria provided, single submitter. Criteria: Invitae Variant Classification Sherloc (09022015). Collection method: clinical testing. Allele origin: germline.
Comment: This sequence change replaces threonine with serine at codon 2925 of the VPS13A protein (p.Thr2925Ser). The threonine residue is highly conserved and there is a small physicochemical difference between threonine and serine. This variant is not present in population databases (ExAC no frequency). This variant has not been reported in the literature in individuals with VPS13A-related conditions. Algorithms developed to predict the effect of missense changes on protein structure and function are either unavailable or do not agree on the potential impact of this missense change (SIFT: "Deleterious"; PolyPhen-2: "Probably Damaging"; Align-GVGD: "Class C0"). In summary, the available evidence is currently insufficient to determine the role of this variant in disease. Therefore, it has been classified as a Variant of Uncertain Significance.

NM_033305.3(VPS13A):c.8773A>T (p.Thr2925Ser)

Gene: VPS13A (vacuolar protein sorting 13 homolog A; plus strand). Cytogenetic location: 9q21.2.
Variant type: single nucleotide variant.
Coding change: c.8773A>T on transcript NM_033305.3 (MANE Select); coding-DNA position 8773, A replaced by T.
Protein change: p.Thr2925Ser; replaces threonine 2925 with serine.
Molecular consequence: missense variant.
Genome position (GRCh38, 1-based): chr9:77,370,444, A>T. VCF-style: chr9-77370444-A-T. GRCh37 (hg19) VCF-style: chr9-79985360-A-T.
Other names: c.8656A>T, p.Thr2886Ser (NM_001018037.2); c.8773A>T, p.Thr2925Ser (NM_001018038.3, NM_015186.4); short protein forms T2886S, T2925S.
Identifiers: ClinVar variation 1426586 (VCV001426586.3), dbSNP rs2131587579, ClinGen allele CA373867436.